The following is an entry in ClinVar:

ClinVar aggregate classification (germline): Uncertain significance (1 of 4 stars; one submission).

Allele frequency attached by ClinVar (database versions not stated): gnomAD exomes below 0.00001; gnomAD 0.00001; TOPMed 0.00001.
gnomAD v4.1: 4 of 1,614,054 alleles (0.00025%); highest among the groups gnomAD compares: Non-Finnish European, 0.00034%; no homozygotes.

Submission:

Labcorp Genetics (formerly Invitae), Labcorp
Classification: Uncertain significance. Last evaluated: 2025-01-13. Review status: criteria provided, single submitter. Criteria: Invitae Variant Classification Sherloc (09022015). Collection method: clinical testing. Allele origin: germline.
Comment: This sequence change creates a premature translational stop signal (p.Gln129*) in the UNC45A gene. It is expected to result in an absent or disrupted protein product. However, the current clinical and genetic evidence is not sufficient to establish whether loss-of-function variants in UNC45A cause disease. This variant is not present in population databases (gnomAD no frequency). This variant has not been reported in the literature in individuals affected with UNC45A-related conditions. ClinVar contains an entry for this variant (Variation ID: 1385489). In summary, the available evidence is currently insufficient to determine the role of this variant in disease. Therefore, it has been classified as a Variant of Uncertain Significance.

NM_018671.5(UNC45A):c.385C>T (p.Gln129Ter)

Gene: UNC45A (unc-45 myosin chaperone A; plus strand). Cytogenetic location: 15q26.1.
Variant type: single nucleotide variant.
Coding change: c.385C>T on transcript NM_018671.5 (MANE Select); coding-DNA position 385, C replaced by T.
Protein change: p.Gln129Ter; replaces glutamine 129 with a stop codon.
Molecular consequence: nonsense. On other transcripts: 5 prime UTR variant (1).
Genome position (GRCh38, 1-based): chr15:90,936,419, C>T. VCF-style: chr15-90936419-C-T. GRCh37 (hg19) VCF-style: chr15-91479649-C-T.
Other names: c.340C>T, p.Gln114Ter (NM_001039675.2, NM_001323621.2); c.385C>T, p.Gln129Ter (NM_001323619.1); c.-51C>T (NM_001323620.2); short protein forms Q129*, Q114*.
Identifiers: ClinVar variation 1385489 (VCV001385489.6), dbSNP rs1319733242, ClinGen allele CA393891078.
Genomic context (GRCh38, chr15:90,936,419, plus strand): 5'-GACCAGGCTGTCCTTGACCTGCAGAGATGTGTGAGCTTGGAGCCCAAGAACAAAGTTTTC[C>T]AGGAGGCCTTGCGGAACATCGGGGGCCAGATTCAGGAGAAGGTATGTGAGTGACCCAGAG-3'